The following is an entry in ClinVar:

NM_001754.5(RUNX1):c.1093G>C (p.Gly365Arg)

Gene: RUNX1 (RUNX family transcription factor 1; minus strand). Cytogenetic location: 21q22.12.
Variant type: single nucleotide variant.
Coding change: c.1093G>C on transcript NM_001754.5 (MANE Select); coding-DNA position 1093, G replaced by C.
Protein change: p.Gly365Arg; replaces glycine 365 with arginine.
Molecular consequence: missense variant.
Genome position (GRCh38, 1-based): chr21:34,792,485, C>G on the plus strand (G>C on the coding strand, the complement: RUNX1 is on the minus strand). VCF-style: chr21-34792485-C-G. GRCh37 (hg19) VCF-style: chr21-36164782-C-G.
Other names: NM_001754.5(RUNX1):c.1093G>C; p.Gly365Arg; c.1012G>C, p.Gly338Arg (NM_001001890.3); short protein forms G365R, G338R.
Identifiers: ClinVar variation 569757 (VCV000569757.11), dbSNP rs752616540, ClinGen allele CA320251523.

ClinVar aggregate classification (germline): Uncertain significance. Review status: reviewed by expert panel (3 of 4 stars). 3 submissions from 3 submitters: Uncertain significance (1). 2 of the submissions do not count toward it. Last evaluated 2024-09-30.

Conditions:
Inborn genetic diseases. Identifiers: MedGen C0950123, MeSH D030342.
Hereditary thrombocytopenia and hematologic cancer predisposition syndrome. Identifiers: Orphanet 71290, MedGen CN281654, MONDO:0011071.
Hereditary thrombocytopenia and hematological cancer predisposition syndrome associated with RUNX1. Also called: Familial Platelet Disorder with Propensity to Acute Myelogenous Leukemia; Familial thrombocytopenia with propensity to acute myelogenous leukemia; PLATELET DISORDER, ASPIRIN-LIKE; RUNX1 Familial Platelet Disorder with Associated Myeloid Malignancies. Identifiers: Orphanet 71290, MedGen C1832388, MeSH C563324, MONDO:0100083, OMIM 601399.

Allele frequency attached by ClinVar (database versions not stated): TOPMed below 0.00001; gnomAD 0.00001.
gnomAD v4.1: 5 of 1,591,278 alleles (0.00031%); highest among the groups gnomAD compares: African/African-American, 0.0013%; no homozygotes.

Submissions (3):

ClinGen Myeloid Malignancy Variant Curation Expert Panel
Classification: Uncertain significance for Hereditary thrombocytopenia and hematologic cancer predisposition syndrome. Last evaluated: 2024-09-30. Review status: reviewed by expert panel. Criteria: ClinGen MyeloMalig ACMG Specifications v2. Collection method: curation. Allele origin: germline. Inheritance: Autosomal dominant inheritance.
Comment: NM_001754.5(RUNX1):c.1093G>C (p.Gly365Arg) is a missense variant which is completely absent from all population databases with at least 20x coverage for RUNX1 (PM2_supporting). Transactivation assays demonstrate altered transactivation (<20% of wt, and/or reduced to levels similar to well-established pathogenic variants such as R201Q or R166Q) and data from a secondary colony-formation assay demonstrate altered expression (PS3; PMID: 34166225). In summary, the clinical significance of this variant is uncertain. ACMG/AMP criteria applied, as specified by the Myeloid Malignancy Variant Curation Expert Panel for RUNX1: PM2_supporting, PS3.

Labcorp Genetics (formerly Invitae), Labcorp
Classification: Uncertain significance for Hereditary thrombocytopenia and hematological cancer predisposition syndrome associated with RUNX1. Last evaluated: 2026-01-04. Review status: criteria provided, single submitter. Criteria: Invitae Variant Classification Sherloc (09022015). Collection method: clinical testing. Allele origin: germline. Not counted in ClinVar's aggregate classification.
Comment: This sequence change replaces glycine, which is neutral and non-polar, with arginine, which is basic and polar, at codon 365 of the RUNX1 protein (p.Gly365Arg). This variant is not present in population databases (gnomAD no frequency). This missense change has been observed in individual(s) with clinical features of RUNX1-related conditions (PMID: 34166225). ClinVar contains an entry for this variant (Variation ID: 569757). Invitae Evidence Modeling of protein sequence and biophysical properties (such as structural, functional, and spatial information, amino acid conservation, physicochemical variation, residue mobility, and thermodynamic stability) has been performed for this missense variant. However, the output from this modeling did not meet the statistical confidence thresholds required to predict the impact of this variant on RUNX1 protein function. Experimental studies have shown that this missense change affects RUNX1 function (PMID: 34166225). In summary, the available evidence is currently insufficient to determine the role of this variant in disease. Therefore, it has been classified as a Variant of Uncertain Significance.

Ambry Genetics
Classification: Uncertain significance for Inborn genetic diseases. Last evaluated: 2025-05-30. Review status: criteria provided, single submitter. Criteria: Ambry Variant Classification Scheme 2023. Collection method: clinical testing. Allele origin: germline. Not counted in ClinVar's aggregate classification.
Comment: The p.G365R variant (also known as c.1093G>C), located in coding exon 8 of the RUNX1 gene, results from a G to C substitution at nucleotide position 1093. The glycine at codon 365 is replaced by arginine, an amino acid with dissimilar properties. This amino acid position is well conserved in available vertebrate species. In addition, this alteration is predicted to be deleterious by in silico analysis. Based on the available evidence, the clinical significance of this variant remains unclear.

Literature cited by the submitters: PubMed 34166225 (cited by ClinGen Myeloid Malignancy Variant Curation Expert Panel and Labcorp Genetics (formerly Invitae), Labcorp).